The following is an entry in ClinVar:

NM_002474.3(MYH11):c.167del (p.Asp56fs)

Gene: MYH11 (myosin heavy chain 11; minus strand). Cytogenetic location: 16p13.11.
Variant type: Deletion.
Coding change: c.167del on transcript NM_002474.3 (MANE Select); coding-DNA position 167, one base deleted (A; older notation c.167delA).
Protein change: p.Asp56fs; shifts the reading frame from aspartic acid 56.
Molecular consequence: frameshift variant.
Genome position (GRCh38, 1-based): chr16:15,838,086, T deleted on the plus strand (A on the coding strand, the reverse complement: MYH11 is on the minus strand). VCF-style (leftmost placement, unchanged base first): chr16-15838085-AT-A. GRCh37 (hg19) VCF-style: chr16-15931942-AT-A.
Other names: c.167del, p.Asp56fs (NM_001040113.2, NM_001040114.2, NM_022844.3); short protein forms D56fs.
Identifiers: ClinVar variation 1171358 (VCV001171358.2), dbSNP rs2151381426, ClinGen allele CA2499223241.

ClinVar aggregate classification (germline): Uncertain significance (1 of 4 stars; one submission).

Conditions:
Familial thoracic aortic aneurysm and aortic dissection (TAAD). Also called: Thoracic aortic aneurysms and dissections. Identifiers: Orphanet 91387, MedGen C4707243, MONDO:0019625.

Submission:

Color Diagnostics, LLC DBA Color Health
Classification: Uncertain significance for Familial thoracic aortic aneurysm and aortic dissection. Last evaluated: 2020-10-19. Review status: criteria provided, single submitter. Criteria: ACMG Guidelines, 2015. Collection method: clinical testing. Allele origin: germline.
Comment: This variant deletes 1 nucleotide in exon 2 of the MYH11 gene, creating a frameshift and premature translation stop signal. This variant is expected to result in an absent or non-functional protein product. To our knowledge, functional studies have not been reported for this variant. This variant has not been reported in individuals affected with cardiovascular disorders in the literature. This variant has not been identified in the general population by the Genome Aggregation Database (gnomAD). Clinical relevance of loss-of-function truncation and splice variants in the MYH11 gene is not clearly established. The available evidence is insufficient to determine the role of this variant in disease conclusively. Therefore, this variant is classified as a Variant of Uncertain Significance.